The following is an entry in ClinVar:

ClinVar aggregate classification (germline): Uncertain significance (1 of 4 stars; one submission).

Conditions:
ALG5-related disorder. Also called: ALG5-related condition.

gnomAD v4.1: 11 of 1,613,060 alleles (0.00068%); highest among the groups gnomAD compares: Middle Eastern, 0.066%; no homozygotes.

Submission:

PreventionGenetics, part of Exact Sciences
Classification: Uncertain significance for ALG5-related condition. Last evaluated: 2025-06-14. Review status: criteria provided, single submitter. Criteria: ACMG Guidelines, 2015. Collection method: clinical testing. Allele origin: germline.
Comment: The ALG5 c.267C>A variant is predicted to result in the amino acid substitution p.Ser89Arg. To our knowledge, this variant has not been reported in the peer-reviewed literature. This variant is reported in 0.0018% of alleles in individuals of European (Non-Finnish) descent in gnomAD. At this time, the clinical significance of this variant is uncertain due to the absence of conclusive functional and genetic evidence.

NM_013338.5(ALG5):c.267C>A (p.Ser89Arg)

Gene: ALG5 (ALG5 dolichyl-phosphate beta-glucosyltransferase; minus strand). Cytogenetic location: 13q13.3.
Variant type: single nucleotide variant.
Coding change: c.267C>A on transcript NM_013338.5 (MANE Select); coding-DNA position 267, C replaced by A.
Protein change: p.Ser89Arg; replaces serine 89 with arginine.
Molecular consequence: missense variant.
Genome position (GRCh38, 1-based): chr13:36,995,007, G>T on the plus strand (C>A on the coding strand, the complement: ALG5 is on the minus strand). VCF-style: chr13-36995007-G-T. GRCh37 (hg19) VCF-style: chr13-37569144-G-T.
Other names: c.267C>A, p.Ser89Arg (NM_001142364.1); short protein forms S89R.
Identifiers: ClinVar variation 4982527 (VCV004982527.1).
Genomic context (GRCh38, chr13:36,995,007, plus strand): 5'-GTTTTAATTGGAGATATCATATTAAAAGAGAAAACATGATACCTGTCTCTTCTCTAGATA[G>T]CTCAGAGCTTCATCCATCATCACAGGCACTTGAAGAAAAAAATATATTAAAAATCACTTT-3'
Protein context (NP_037470.1, residues 79-99): RLPVMMDEAL[Ser89Arg]YLEKRQKRDP